The following is an entry in ClinVar:

NM_000466.3(PEX1):c.3316C>T (p.Gln1106Ter)

Genes: GATAD1 (GATA zinc finger domain containing 1; plus strand), PEX1 (peroxisomal biogenesis factor 1; minus strand). Cytogenetic location: 7q21.2.
Variant type: single nucleotide variant.
Coding change: c.3316C>T on transcript NM_000466.3 (MANE Select); coding-DNA position 3316, C replaced by T.
Protein change: p.Gln1106Ter; replaces glutamine 1106 with a stop codon.
Molecular consequence: nonsense.
Genome position (GRCh38, 1-based): chr7:92,491,394, G>A on the plus strand (C>T on the coding strand, the complement: PEX1 is on the minus strand). VCF-style: chr7-92491394-G-A. GRCh37 (hg19) VCF-style: chr7-92120708-G-A.
Other names: c.3145C>T, p.Gln1049Ter (NM_001282677.2); c.2692C>T, p.Gln898Ter (NM_001282678.2); short protein forms Q1049*, Q1106*, Q898*.
Identifiers: ClinVar variation 4059547 (VCV004059547.2).

ClinVar aggregate classification (germline): Likely pathogenic (1 of 4 stars; one submission).

Conditions:
Zellweger spectrum disorders (ZS). Also called: Zellweger syndrome; Zellweger Spectrum Disorder; Zellweger Spectrum; Zellweger Spectrum Disorder (ZSD). Identifiers: Orphanet 912, MedGen C0043459, MONDO:0019609.

gnomAD v4.1: 1 of 1,613,280 alleles (0.000062%); highest among the groups gnomAD compares: Non-Finnish European, 0.000085%; no homozygotes.

Submission:

Natera, Inc.
Classification: Likely pathogenic for Zellweger syndrome. Last evaluated: 2025-03-10. Review status: criteria provided, single submitter. Criteria: Natera Variant Classification Schema (03/2026). Collection method: clinical testing. Allele origin: germline.
Comment: The c.3316C>T variant in PEX1 is a nonsense variant predicted to introduce a stop codon at amino acid 1106. This variant is expected to result in nonsense mediated decay, truncation, or a dysfunctional protein product. This variant is rare in the general population with a frequency below the threshold expected for the associated phenotype(s). Given the available evidence, this variant is classified as Likely Pathogenic.